The following is an entry in ClinVar:

NM_002437.5(MPV17):c.191C>G (p.Pro64Arg)

Gene: MPV17 (mitochondrial inner membrane protein MPV17; minus strand). Cytogenetic location: 2p23.3.
Variant type: single nucleotide variant.
Coding change: c.191C>G on transcript NM_002437.5 (MANE Select); coding-DNA position 191, C replaced by G.
Protein change: p.Pro64Arg; replaces proline 64 with arginine.
Molecular consequence: missense variant.
Genome position (GRCh38, 1-based): chr2:27,312,768, G>C on the plus strand (C>G on the coding strand, the complement: MPV17 is on the minus strand). VCF-style: chr2-27312768-G-C. GRCh37 (hg19) VCF-style: chr2-27535635-G-C.
Other names: short protein forms P64R.
Identifiers: ClinVar variation 381523 (VCV000381523.56), dbSNP rs375401970, ClinGen allele CA1575632.

ClinVar aggregate classification (germline): Pathogenic/Likely pathogenic. Review status: criteria provided, multiple submitters, no conflicts (2 of 4 stars). 16 submissions from 16 submitters: Pathogenic (10); Likely pathogenic (6). Last evaluated 2025-10-30.

Conditions:
Charcot-Marie-Tooth disease, axonal, type 2EE. Also called: CHARCOT-MARIE-TOOTH NEUROPATHY, TYPE 2EE. Identifiers: MedGen C5193076, MONDO:0032728, OMIM 618400.
MPV17-related disorder. Also called: MPV17-related condition; MPV17-related disorders. Identifiers: MedGen CN239328.
Mitochondrial DNA depletion syndrome, hepatocerebral form. Identifiers: Orphanet 254871, MedGen C3711385, MONDO:0100512.
Mitochondrial DNA depletion syndrome 6 (hepatocerebral type). Also called: NAVAJO NEUROPATHY; Navajo neurohepatopathy; Mitochondrial DNA depletion syndrome type 6. Identifiers: Orphanet 255229, MedGen C1850406, MONDO:0009747, OMIM 256810.
Mitochondrial DNA depletion syndrome. Also called: mitochondrial DNA depletion. Identifiers: Orphanet 35698, MedGen C0342782, MONDO:0018158.
Mitochondrial DNA depletion syndrome 15 (hepatocerebral type) (MTDPS15). Also called: Hepatocerebral Mitochondrial DNA Depletion Syndrome. Identifiers: MedGen C4310690, MONDO:0014943, OMIM 617156.
Autosomal recessive MPV17-related disorders.

Allele frequency attached by ClinVar (database versions not stated): TOPMed 0.00004; gnomAD 0.00007 and 0.00008; gnomAD exomes 0.00007 and 0.00010; ESP Exome Variant Server 0.00008; ExAC 0.00010.
gnomAD v4.1: 155 of 1,613,918 alleles (0.0096%); highest among the groups gnomAD compares: Non-Finnish European, 0.013%; no homozygotes.

Submissions (16):

GeneDx
Classification: Likely pathogenic. Last evaluated: 2025-10-30. Review status: criteria provided, single submitter. Criteria: GeneDx Variant Classification Process June 2021. Collection method: clinical testing. Allele origin: germline. Affected: yes.
Comment: Not observed at significant frequency in large population cohorts (gnomAD); In silico analysis supports that this missense variant has a deleterious effect on protein structure/function; This variant is associated with the following publications: (PMID: 26437932, 23714749, 23829229, 37184518, 29282788, 32827528, 33726816, 37204315, 35586607)

Labcorp Genetics (formerly Invitae), Labcorp
Classification: Pathogenic. Last evaluated: 2025-10-07. Review status: criteria provided, single submitter. Criteria: Invitae Variant Classification Sherloc (09022015). Collection method: clinical testing. Allele origin: germline.
Comment: This sequence change replaces proline, which is neutral and non-polar, with arginine, which is basic and polar, at codon 64 of the MPV17 protein (p.Pro64Arg). This variant is present in population databases (rs375401970, gnomAD 0.02%). This missense change has been observed in individuals with mitochondrial DNA depletion syndrome (PMID: 23714749, 23829229). It has also been observed to segregate with disease in related individuals. ClinVar contains an entry for this variant (Variation ID: 381523). Invitae Evidence Modeling of protein sequence and biophysical properties (such as structural, functional, and spatial information, amino acid conservation, physicochemical variation, residue mobility, and thermodynamic stability) indicates that this missense variant is expected to disrupt MPV17 protein function with a positive predictive value of 95%. For these reasons, this variant has been classified as Pathogenic.

Variantyx, Inc.
Classification: Likely pathogenic for Autosomal recessive MPV17-related disorders. Last evaluated: 2025-07-09. Review status: criteria provided, single submitter. Criteria: Variantyx Assertion Criteria 2022. Collection method: clinical testing. Allele origin: germline. Inheritance: Autosomal recessive inheritance. Affected: no.
Comment: This is a nonsynonymous variant in the MPV17 gene (OMIM: 137960). Pathogenic variants in this gene have been associated with autosomal recessive MPV17-related disorders. This variant has been identified in the homozygous or compound heterozygous state in at least 3 affected individuals reported in the published literature (PMID: 23714749, 23829229) (PM3_Strong) and it has been observed to segregate with disease in at least 2 families (PMID: 23829229) (PP1). Multiple computational algorithms predict a deleterious effect for this variant (REVEL score: 0.948) (PP3). This variant has a 0.0125% maximum allele frequency in non-founder control populations (PM2). Based on the current evidence, this variant is classified as likely pathogenic for autosomal recessive MPV17-related disorders.

PreventionGenetics, part of Exact Sciences
Classification: Pathogenic for MPV17-related condition. Last evaluated: 2025-03-12. Review status: criteria provided, single submitter. Criteria: ACMG Guidelines, 2015. Collection method: clinical testing. Allele origin: germline.
Comment: The MPV17 c.191C>G variant is predicted to result in the amino acid substitution p.Pro64Arg. This variant was reported in the homozygous or compound heterozygous state in individuals with mitochondrial DNA depletion syndrome or Charcot-Marie-Tooth disease (Uusimaa et al. 2014. PubMed ID: 23714749; Piekutowska-Abramczuk et al. 2014. PubMed ID: 23829229; Naess et al. 2021. PubMed ID: 32827528; Table S3, French et al. 2022. PubMed ID: 35586607). This variant is reported in 0.015% of alleles in individuals of European (Non-Finnish) descent in gnomAD. This variant is interpreted as pathogenic.

Natera, Inc.
Classification: Likely pathogenic for Mitochondrial DNA depletion syndrome, hepatocerebral form. Last evaluated: 2024-11-07. Review status: criteria provided, single submitter. Criteria: Natera Variant Classification Schema (03/2026). Collection method: clinical testing. Allele origin: germline.
Comment: The c.191C>G variant in MPV17 is a missense variant predicted to cause substitution of proline to arginine at amino acid 64. This variant is rare in the general population with a frequency below the threshold expected for the associated phenotype(s). This variant has been observed in one or more individuals affected with the associated recessive disease, as either homozygous or compound heterozygous with a second variant (PMID: 23829229, 23714749, 32827528, 37184518, 38180987). Additionally, this variant has been observed to segregate in affected family members (PMID: 23829229). Computational prediction algorithms indicate this variant is likely to affect gene or protein function. Given the available evidence, this variant is classified as Likely Pathogenic.

CeGaT Center for Human Genetics Tuebingen
Classification: Pathogenic. Last evaluated: 2024-04-01. Review status: criteria provided, single submitter. Criteria: CeGaT Center For Human Genetics Tuebingen Variant Classification Criteria Version 2. Collection method: clinical testing. Allele origin: germline. Affected: yes. Observed: 3 variant alleles.
Comment: MPV17: PM3:Strong, PP1:Strong, PM2, PM5

Centre for Inherited Metabolic Diseases, Karolinska University Hospital
Classification: Pathogenic for Mitochondrial DNA depletion syndrome 6 (hepatocerebral type). Last evaluated: 2024-03-01. Review status: criteria provided, single submitter. Criteria: ACMG Guidelines, 2015. Collection method: clinical testing. Allele origin: inherited. Inheritance: Autosomal recessive inheritance. Affected: yes. Observed: 1 compound heterozygote.

Baylor Genetics
Classification: Pathogenic for Charcot-Marie-Tooth disease, axonal, type 2EE. Last evaluated: 2024-02-26. Review status: criteria provided, single submitter. Criteria: ACMG Guidelines, 2015. Collection method: clinical testing. Allele origin: unknown.

Fulgent Genetics
Classification: Pathogenic for Mitochondrial DNA depletion syndrome 6 (hepatocerebral type); Charcot-Marie-Tooth disease, axonal, type 2EE. Last evaluated: 2024-01-09. Review status: criteria provided, single submitter. Criteria: ACMG Guidelines, 2015. Collection method: clinical testing. Allele origin: germline.

Women's Health and Genetics/Laboratory Corporation of America, LabCorp
Classification: Pathogenic for Mitochondrial DNA depletion syndrome. Last evaluated: 2023-10-10. Review status: criteria provided, single submitter. Criteria: LabCorp Variant Classification Summary - May 2015. Collection method: clinical testing. Allele origin: germline.
Comment: Variant summary: MPV17 c.191C>G (p.Pro64Arg) results in a non-conservative amino acid change to a highly conserved residue (HGMD) in the encoded protein sequence. Five of five in-silico tools predict a damaging effect of the variant on protein function. The variant allele was found at a frequency of 7.2e-05 in 251212 control chromosomes (gnomAD). This frequency is not significantly higher than estimated for a pathogenic variant in MPV17 causing Mitochondrial DNA Depletion Syndrome - MPV17 Related (7.2e-05 vs 0.0011), allowing no conclusion about variant significance. c.191C>G has been reported in the literature in multiple individuals affected with Mitochondrial DNA Depletion Syndrome - MPV17 Related (Uusimaa_2014, Piekutowska-Abramczuk_2014), and at least one was reported as compound heterozygous with a pathogenic variant. These data indicate that the variant is very likely to be associated with disease. The following publications have been ascertained in the context of this evaluation (PMID: 23714749, 23829229). Seven submitters have cited clinical-significance assessments for this variant to ClinVar after 2014. All submitters classified the variant as pathogenic/likely pathogenic. Based on the evidence outlined above, the variant was classified as pathogenic.

Clinical Genetics Laboratory, Skane University Hospital Lund
Classification: Likely pathogenic. Last evaluated: 2022-07-13. Review status: criteria provided, single submitter. Criteria: ACMG Guidelines, 2015. Collection method: clinical testing. Allele origin: germline. Affected: yes.

MGZ Medical Genetics Center
Classification: Pathogenic for Mitochondrial DNA depletion syndrome 6 (hepatocerebral type). Last evaluated: 2022-04-22. Review status: criteria provided, single submitter. Criteria: ACMG Guidelines, 2015. Collection method: clinical testing. Allele origin: germline. Affected: yes. Observed: 1 variant allele.
Comment: ACMG criteria applied: PS4, PM3, PM5, PM2_SUP, PP1, PP2, PP3

Revvity Omics, Revvity
Classification: Likely pathogenic. Last evaluated: 2022-04-01. Review status: criteria provided, single submitter. Criteria: ACMG Guidelines, 2015. Collection method: clinical testing. Allele origin: germline.

Blueprint Genetics
Classification: Pathogenic for MPV17-related disorders. Last evaluated: 2020-01-30. Review status: criteria provided, single submitter. Criteria: ACMG Guidelines, 2015. Collection method: clinical testing. Allele origin: germline. Affected: yes. Observed: 5 variant alleles.

SIB Swiss Institute of Bioinformatics
Classification: Likely pathogenic for Mitochondrial DNA depletion syndrome 6 (hepatocerebral type). Last evaluated: 2019-08-13. Review status: criteria provided, single submitter. Criteria: ACMG Guidelines, 2015. Collection method: curation. Allele origin: unknown.
Comment: This variant is interpreted as a Likely pathogenic for Mitochondrial DNA depletion syndrome 6, autosomal recessive. The following ACMG Tag(s) were applied: PM2, PP3, PP1, PM3.

Eurofins Ntd Llc (ga)
Classification: Pathogenic. Last evaluated: 2016-12-22. Review status: criteria provided, single submitter. Criteria: EGL Classification Definitions 2015. Collection method: clinical testing. Allele origin: germline. Observed: 2 variant alleles, 2 heterozygotes.

Literature cited by the submitters: PubMed 23714749 (cited by 5 submitters); PubMed 23829229 (cited by 5 submitters); PubMed 32827528 (cited by Natera, Inc.); PubMed 37184518 (cited by Natera, Inc.); PubMed 38180987 (cited by Natera, Inc.).